The following is an entry in ClinVar:

ClinVar aggregate classification (germline): Conflicting classifications of pathogenicity. Review status: criteria provided, conflicting classifications (1 of 4 stars). 2 submissions from 2 submitters: Uncertain significance (1); Likely benign (1). Last evaluated 2025-12-11.

Conditions:
Dilated cardiomyopathy 1DD (CMD1DD). Identifiers: Orphanet 154, MedGen C2750995, MONDO:0013168, OMIM 613172.
Cardiovascular phenotype. Identifiers: MedGen CN230736.

gnomAD v4.1: 34 of 1,551,610 alleles (0.0022%); highest among the groups gnomAD compares: Non-Finnish European, 0.003%; no homozygotes.

Submissions (2):

Labcorp Genetics (formerly Invitae), Labcorp
Classification: Uncertain significance for Dilated cardiomyopathy 1DD. Last evaluated: 2025-12-11. Review status: criteria provided, single submitter. Criteria: Invitae Variant Classification Sherloc (09022015). Collection method: clinical testing. Allele origin: germline.
Comment: This sequence change replaces alanine, which is neutral and non-polar, with threonine, which is neutral and polar, at codon 1086 of the RBM20 protein (p.Ala1086Thr). This variant is not present in population databases (gnomAD no frequency). This variant has not been reported in the literature in individuals affected with RBM20-related conditions. ClinVar contains an entry for this variant (Variation ID: 3313229). Invitae Evidence Modeling of protein sequence and biophysical properties (such as structural, functional, and spatial information, amino acid conservation, physicochemical variation, residue mobility, and thermodynamic stability) indicates that this missense variant is not expected to disrupt RBM20 protein function with a negative predictive value of 95%. In summary, the available evidence is currently insufficient to determine the role of this variant in disease. Therefore, it has been classified as a Variant of Uncertain Significance.

Ambry Genetics
Classification: Likely benign for Cardiovascular phenotype. Last evaluated: 2024-05-11. Review status: criteria provided, single submitter. Criteria: Ambry Variant Classification Scheme 2023. Collection method: clinical testing. Allele origin: germline.

NM_001134363.3(RBM20):c.3256G>A (p.Ala1086Thr)

Gene: RBM20 (RNA binding motif protein 20; plus strand). Cytogenetic location: 10q25.2.
Variant type: single nucleotide variant.
Coding change: c.3256G>A on transcript NM_001134363.3 (MANE Select); coding-DNA position 3256, G replaced by A.
Protein change: p.Ala1086Thr; replaces alanine 1086 with threonine.
Molecular consequence: missense variant.
Genome position (GRCh38, 1-based): chr10:110,821,875, G>A. VCF-style: chr10-110821875-G-A. GRCh37 (hg19) VCF-style: chr10-112581633-G-A.
Other names: short protein forms A1086T.
Identifiers: ClinVar variation 3313229 (VCV003313229.3).